The following is an entry in ClinVar:

NM_001127208.3(TET2):c.3893G>A (p.Cys1298Tyr)

Genes: TET2 (tet methylcytosine dioxygenase 2; plus strand), TET2-AS1 (TET2 antisense RNA 1; minus strand). Cytogenetic location: 4q24.
Variant type: single nucleotide variant.
Coding change: c.3893G>A on transcript NM_001127208.3 (MANE Select); coding-DNA position 3893, G replaced by A.
Protein change: p.Cys1298Tyr; replaces cysteine 1298 with tyrosine.
Molecular consequence: missense variant.
Genome position (GRCh38, 1-based): chr4:105,259,708, G>A. VCF-style: chr4-105259708-G-A. GRCh37 (hg19) VCF-style: chr4-106180865-G-A.
Other names: short protein forms C1298Y.
Identifiers: ClinVar variation 2105431 (VCV002105431.4), dbSNP rs1488164988, ClinGen allele CA357807271.
Genomic context (GRCh38, chr4:105,259,708, plus strand): 5'-CAGAAACCTGTGGTGCCTCCTTCTCTTTTGGTTGTTCATGGAGCATGTACTACAATGGAT[G>A]TAAGTTTGCCAGAAGCAAGATCCCAAGGAAGTTTAAGCTGCTTGGGGATGACCCAAAAGA-3'
Protein context (NP_001120680.1, residues 1288-1308): GCSWSMYYNG[Cys1298Tyr]KFARSKIPRK

ClinVar aggregate classification (germline): Uncertain significance (1 of 4 stars; one submission).

Submission:

Labcorp Genetics (formerly Invitae), Labcorp
Classification: Uncertain significance. Last evaluated: 2026-01-30. Review status: criteria provided, single submitter. Criteria: Invitae Variant Classification Sherloc (09022015). Collection method: clinical testing. Allele origin: germline.
Comment: This sequence change replaces cysteine, which is neutral and slightly polar, with tyrosine, which is neutral and polar, at codon 1298 of the TET2 protein (p.Cys1298Tyr). This variant is present in population databases (no rsID available, gnomAD 0.002%). This variant has not been reported in the literature in individuals affected with TET2-related conditions. ClinVar contains an entry for this variant (Variation ID: 2105431). An algorithm developed to predict the effect of missense changes on protein structure and function (PolyPhen-2) suggests that this variant is likely to be disruptive. In summary, the available evidence is currently insufficient to determine the role of this variant in disease. Therefore, it has been classified as a Variant of Uncertain Significance.